The following is an entry in ClinVar:

NM_022124.6(CDH23):c.2289+1G>A

Gene: CDH23 (cadherin related 23; plus strand). Cytogenetic location: 10q22.1.
Variant type: single nucleotide variant.
Coding change: c.2289+1G>A on transcript NM_022124.6 (MANE Select); the canonical splice donor site of the intron after coding-DNA position 2289, G replaced by A.
Molecular consequence: splice donor variant.
Genome position (GRCh38, 1-based): chr10:71,694,260, G>A. VCF-style: chr10-71694260-G-A. GRCh37 (hg19) VCF-style: chr10-73454017-G-A.
Other names: c.2289+1G>A (NM_001171930.2, NM_001171931.2).
Identifiers: ClinVar variation 504507 (VCV000504507.22), dbSNP rs769433759, ClinGen allele CA5544150.

ClinVar aggregate classification (germline): Pathogenic. Review status: criteria provided, multiple submitters, no conflicts (2 of 4 stars). 9 submissions from 9 submitters: Pathogenic (9). Last evaluated 2026-05-12.

Conditions:
Rare genetic deafness. Identifiers: Orphanet 96210, MedGen C5680250.
Usher syndrome type 1D (USH1D). Also called: USHER SYNDROME, TYPE ID. Identifiers: Orphanet 231169, Orphanet 886, MedGen C1832845, MONDO:0010984, OMIM 601067.
CDH23-related disorder. Also called: CDH23-related condition; CDH23-related disorders.
Pituitary adenoma 5, multiple types. Identifiers: MedGen C4539685, MONDO:0054601, OMIM 617540.
Autosomal recessive nonsyndromic hearing loss 12. Also called: DEAFNESS, AUTOSOMAL RECESSIVE 12. Identifiers: Orphanet 90636, MedGen C1832394, MONDO:0011067, OMIM 601386.
Usher syndrome type 1 (USH1). Also called: RETINITIS PIGMENTOSA AND CONGENITAL DEAFNESS. Identifiers: Orphanet 231169, Orphanet 886, MedGen C1568247, MONDO:0010168, OMIM 276900.

Allele frequency attached by ClinVar (database versions not stated): gnomAD 0.00001; gnomAD exomes 0.00001 and 0.00002; TOPMed 0.00002; ExAC 0.00003.
gnomAD v4.1: 21 of 1,608,818 alleles (0.0013%); highest among the groups gnomAD compares: African/African-American, 0.0027%; no homozygotes.

Submissions (9):

PreventionGenetics, part of Exact Sciences
Classification: Pathogenic for CDH23-related condition. Last evaluated: 2026-05-12. Review status: criteria provided, single submitter. Criteria: ACMG Guidelines, 2015. Collection method: clinical testing. Allele origin: germline.
Comment: The CDH23 c.2289+1G>A variant is predicted to disrupt the GT donor site and interfere with normal splicing. This variant (also described as IVS20+1G>A) has been reported in patients with autosomal recessive nonsyndromic hearing loss and Usher syndrome (Astuto et al. 2002. PubMed ID: 12075507; Cesca et al. 2020. PubMed ID: 32467589; García-García et al. 2020. PubMed ID: 33297549; Oshima et al. 2008. PubMed ID: 18429043; Jaijo et al. 2009. PubMed ID: 19683999). A functional assay found this variant disrupted normal splicing and resulted in the production of two aberrant frameshift transcripts (Aparisi et al. 2013. PubMed ID: 23451239). This variant is reported in 0.0036% of alleles in individuals of European (Non-Finnish) descent in gnomAD. Variants that disrupt the consensus splice donor site in CDH23 are expected to be pathogenic. This variant is interpreted as pathogenic.

Natera, Inc.
Classification: Pathogenic for Usher syndrome type 1. Last evaluated: 2026-01-18. Review status: criteria provided, single submitter. Criteria: Natera Variant Classification Schema (03/2026). Collection method: clinical testing. Allele origin: germline.
Comment: The c.2289+1G>A variant in CDH23 is a canonical splice donor site variant predicted to affect pre-mRNA splicing, which may result in an abnormal transcript and altered protein product. This variant is expected to result in nonsense mediated decay, truncation, or a dysfunctional protein product. This variant is rare in the general population with a frequency below the threshold expected for the associated phenotype(s). This variant has been observed in one or more individuals affected with the associated recessive disease, as either homozygous or compound heterozygous with a second variant (PMID: 33297549). Given the available evidence, this variant is classified as Pathogenic.

Labcorp Genetics (formerly Invitae), Labcorp
Classification: Pathogenic. Last evaluated: 2025-04-11. Review status: criteria provided, single submitter. Criteria: Invitae Variant Classification Sherloc (09022015). Collection method: clinical testing. Allele origin: germline.
Comment: This sequence change affects a donor splice site in intron 21 of the CDH23 gene. RNA analysis indicates that disruption of this splice site induces altered splicing and may result in an absent or altered protein product. This variant is present in population databases (rs769433759, gnomAD 0.004%). Disruption of this splice site has been observed in individuals with Usher syndrome (PMID: 12075507, 18429043, 19683999). This variant is also known as IVS20+1G>A. ClinVar contains an entry for this variant (Variation ID: 504507). Studies have shown that disruption of this splice site alters mRNA splicing and is expected to lead to the loss of protein expression (PMID: 23451239). For these reasons, this variant has been classified as Pathogenic.

GeneDx
Classification: Pathogenic. Last evaluated: 2025-01-09. Review status: criteria provided, single submitter. Criteria: GeneDx Variant Classification Process June 2021. Collection method: clinical testing. Allele origin: germline. Affected: yes.
Comment: Canonical splice site variant predicted to result in a null allele in a gene for which loss of function is a known mechanism of disease; Not observed at significant frequency in large population cohorts (gnomAD); This variant is associated with the following publications: (PMID: 36460718, 18429043, 31546658, 19683999, 33297549, 15353998, 31589614, 25525159, 32467589, 23451239, 12075507)

Blueprint Genetics
Classification: Pathogenic for CDH23-related disorders. Last evaluated: 2024-11-20. Review status: criteria provided, single submitter. Criteria: ACMG Guidelines, 2015. Collection method: clinical testing. Allele origin: germline. Affected: yes. Observed: 5 variant alleles.

Fulgent Genetics
Classification: Pathogenic for Usher syndrome type 1D; Autosomal recessive nonsyndromic hearing loss 12; Pituitary adenoma 5, multiple types. Last evaluated: 2024-03-28. Review status: criteria provided, single submitter. Criteria: ACMG Guidelines, 2015. Collection method: clinical testing. Allele origin: germline.

Baylor Genetics
Classification: Pathogenic for Pituitary adenoma 5, multiple types. Last evaluated: 2024-03-12. Review status: criteria provided, single submitter. Criteria: ACMG Guidelines, 2015. Collection method: clinical testing. Allele origin: unknown.

Molecular Diagnostics Laboratory, M Health Fairview: University of Minnesota
Classification: Pathogenic for Usher syndrome type 1D. Last evaluated: 2016-09-12. Review status: criteria provided, single submitter. Criteria: ACMG Guidelines, 2015. Collection method: clinical testing. Allele origin: germline. Affected: yes. Observed: 1 variant allele.

Laboratory for Molecular Medicine, Mass General Brigham Personalized Medicine
Classification: Pathogenic for Rare genetic deafness. Last evaluated: 2016-05-05. Review status: criteria provided, single submitter. Criteria: LMM Criteria. Collection method: clinical testing. Allele origin: germline. Inheritance: Autosomal recessive inheritance. Observed: 1 variant allele.
Comment: The c.2289+1G>A variant in CDH23 has been reported in several individuals with U sher syndrome, including at least 2 compound heterozygotes and 1 homozygote (Ast uto 2002, Pennings 2004, Oshima 2008, Jaijo 2009, Aparisi 2013). This variant ha s been identified in 3/60698 European chromosomes by the Exome Aggregation Conso rtium (ExAC; dbSNP rs769433759); however, its fr equency is low enough to be consistent with a recessive carrier frequency. This variant occurs in the invariant region (+/- 1/2) of the splice consensus sequenc e and is predicted to cause altered splicing leading to an abnormal or absent pr otein. Furthermore, RT-PCR analysis performed on RNA extracted from nasal epith elial cells from one patient showed aberrant splicing resulting in a truncated p rotein (Aparisi 2013). Loss of function of the CDH23 gene is an established dise ase mechanism in autosomal recessive Usher syndrome. In summary, this variant m eets our criteria to be classified as pathogenic for Usher syndrome in an autoso mal recessive manner based on the predicted impact of the variant.

Literature cited by the submitters: PubMed 33297549 (cited by Natera, Inc.); PubMed 12075507 (cited by 3 submitters); PubMed 18429043 (cited by Labcorp Genetics (formerly Invitae), Labcorp and Laboratory for Molecular Medicine, Mass General Brigham Personalized Medicine); PubMed 19683999 (cited by Labcorp Genetics (formerly Invitae), Labcorp and Laboratory for Molecular Medicine, Mass General Brigham Personalized Medicine); PubMed 23451239 (cited by 3 submitters); PubMed 15353998 (cited by Laboratory for Molecular Medicine, Mass General Brigham Personalized Medicine).